The following is an entry in ClinVar:

ClinVar aggregate classification (germline): Likely pathogenic (1 of 4 stars; one submission).

Conditions:
Bifunctional peroxisomal enzyme deficiency (DBIF). Also called: DBP DEFICIENCY; PBFE DEFICIENCY; D-bifunctional protein deficiency. Identifiers: Orphanet 300, MedGen C0342870, MONDO:0009855, OMIM 261515. Disease mechanism: loss of function.

Submission:

Natera, Inc.
Classification: Likely pathogenic for Bifunctional peroxisomal enzyme deficiency. Last evaluated: 2024-09-18. Review status: criteria provided, single submitter. Criteria: Natera Variant Classification Schema (03/2026). Collection method: clinical testing. Allele origin: germline.
Comment: The c.1021del variant in HSD17B4 is a frameshift variant predicted to shift the reading frame beginning at codon 341 and leads to a stop codon 21 codons downstream. This variant is expected to result in nonsense mediated decay, truncation, or a dysfunctional protein product. This variant is rare in the general population with a frequency below the threshold expected for the associated phenotype(s). Given the available evidence, this variant is classified as Likely Pathogenic.

NM_000414.4(HSD17B4):c.1021del (p.Glu341fs)

Gene: HSD17B4 (hydroxysteroid 17-beta dehydrogenase 4; plus strand). Cytogenetic location: 5q23.1.
Variant type: Deletion.
Coding change: c.1021del on transcript NM_000414.4 (MANE Select); coding-DNA position 1021, one base deleted (G; older notation c.1021delG).
Protein change: p.Glu341fs; shifts the reading frame from glutamic acid 341.
Molecular consequence: frameshift variant. On other transcripts: non-coding transcript variant (2).
Genome position (GRCh38, 1-based): chr5:119,499,365, G deleted; the last of 2 consecutive G bases (chr5:119,499,364-119,499,365); deleting either gives the same sequence. VCF-style (leftmost placement, unchanged base first): chr5-119499363-CG-C. GRCh37 (hg19) VCF-style: chr5-118835058-CG-C.
Other names: c.1096del, p.Glu366fs (NM_001199291.3); c.967del, p.Glu323fs (NM_001199292.2); c.949del, p.Glu317fs (NM_001292027.2); c.601del, p.Glu201fs (NM_001292028.2); c.1012del, p.Glu338fs (NM_001374497.1); c.1021del, p.Glu341fs (NM_001374498.1); c.694del, p.Glu232fs (NM_001374499.1); c.580del, p.Glu194fs (NM_001374500.1); and 1 more; short protein forms E194fs, E201fs, E204fs, E232fs, E317fs, E323fs, E338fs, E341fs.
Identifiers: ClinVar variation 4818336 (VCV004818336.1).
Genomic context (GRCh38, chr5:119,499,363, plus strand): 5'-AAAACTGTTCTTAGGCTGGAGCTATTGGCCAGAAACTCCCTCCATTTTCTTATGCTTATA[CG>C]GAACTGGAAGCTATTATGTATGCCCTTGGAGTGGGAGCGTCAATCAAGGATCCAAAAGAT-3'